The following is an entry in ClinVar:

ClinVar aggregate classification (germline): Likely benign. Review status: criteria provided, multiple submitters, no conflicts (2 of 4 stars). 3 submissions from 3 submitters: Likely benign (2). 1 of the submissions does not count toward it. Last evaluated 2024-11-30.

Conditions:
TRIP11-related disorder. Also called: TRIP11-related condition; TRIP11-Related Disorders.
Achondrogenesis, type IA (ACG1A). Identifiers: Orphanet 932, Orphanet 93299, MedGen C0265273, MONDO:0008701, OMIM 200600.

Allele frequency attached by ClinVar (database versions not stated): gnomAD exomes 0.00001 and 0.00003; TOPMed 0.00002; ExAC 0.00003.
gnomAD v4.1: 16 of 1,612,894 alleles (0.00099%); highest among the groups gnomAD compares: Admixed American, 0.012%; no homozygotes.

Submissions (3):

Labcorp Genetics (formerly Invitae), Labcorp
Classification: Likely benign for Achondrogenesis, type IA. Last evaluated: 2024-11-30. Review status: criteria provided, single submitter. Criteria: Invitae Variant Classification Sherloc (09022015). Collection method: clinical testing. Allele origin: germline.

ARUP Laboratories, Molecular Genetics and Genomics, ARUP Laboratories
Classification: Likely benign. Last evaluated: 2019-01-11. Review status: criteria provided, single submitter. Criteria: ARUP Molecular Germline Variant Investigation Process. Collection method: clinical testing. Allele origin: germline.

PreventionGenetics, part of Exact Sciences
Classification: Likely benign for TRIP11-related condition. Last evaluated: 2021-05-24. Review status: no assertion criteria provided. Collection method: clinical testing. Allele origin: germline. Not counted in ClinVar's aggregate classification.
Comment: This variant is classified as likely benign based on ACMG/AMP sequence variant interpretation guidelines (Richards et al. 2015 PMID: 25741868, with internal and published modifications).

NM_004239.4(TRIP11):c.1587C>T (p.Ile529=)

Gene: TRIP11 (thyroid hormone receptor interactor 11; minus strand). Cytogenetic location: 14q32.12.
Variant type: single nucleotide variant.
Coding change: c.1587C>T on transcript NM_004239.4 (MANE Select); coding-DNA position 1587, C replaced by T.
Protein change: p.Ile529=; no amino-acid change (isoleucine 529 retained).
Molecular consequence: synonymous variant.
Genome position (GRCh38, 1-based): chr14:92,006,389, G>A on the plus strand (C>T on the coding strand, the complement: TRIP11 is on the minus strand). VCF-style: chr14-92006389-G-A. GRCh37 (hg19) VCF-style: chr14-92472733-G-A.
Other names: c.1584C>T, p.Ile528= (NM_001321851.1).
Identifiers: ClinVar variation 811302 (VCV000811302.18), dbSNP rs762961289, ClinGen allele CA7313899.